The following is an entry in ClinVar:

ClinVar aggregate classification (germline): Uncertain significance (1 of 4 stars; one submission).

Conditions:
Congenital myasthenic syndrome 2A. Also called: Myasthenic syndrome, congenital, 2a, slow-channel. Identifiers: Orphanet 590, MedGen C4225374, MONDO:0014581, OMIM 616313.

Allele frequency attached by ClinVar (database versions not stated): TOPMed 0.00001; ExAC 0.00002; gnomAD exomes 0.00003.
gnomAD v4.1: 13 of 1,613,980 alleles (0.00081%); highest among the groups gnomAD compares: Admixed American, 0.013%; no homozygotes.

Submission:

Labcorp Genetics (formerly Invitae), Labcorp
Classification: Uncertain significance for Congenital myasthenic syndrome 2A. Last evaluated: 2025-08-18. Review status: criteria provided, single submitter. Criteria: Invitae Variant Classification Sherloc (09022015). Collection method: clinical testing. Allele origin: germline.
Comment: This sequence change replaces arginine, which is basic and polar, with cysteine, which is neutral and slightly polar, at codon 335 of the CHRNB1 protein (p.Arg335Cys). This variant is present in population databases (rs779467380, gnomAD 0.02%). This variant has not been reported in the literature in individuals affected with CHRNB1-related conditions. ClinVar contains an entry for this variant (Variation ID: 476148). Invitae Evidence Modeling of protein sequence and biophysical properties (such as structural, functional, and spatial information, amino acid conservation, physicochemical variation, residue mobility, and thermodynamic stability) has been performed for this missense variant. However, the output from this modeling did not meet the statistical confidence thresholds required to predict the impact of this variant on CHRNB1 protein function. In summary, the available evidence is currently insufficient to determine the role of this variant in disease. Therefore, it has been classified as a Variant of Uncertain Significance.

NM_000747.3(CHRNB1):c.1003C>T (p.Arg335Cys)

Gene: CHRNB1 (cholinergic receptor nicotinic beta 1 subunit; plus strand). Cytogenetic location: 17p13.1.
Variant type: single nucleotide variant.
Coding change: c.1003C>T on transcript NM_000747.3 (MANE Select); coding-DNA position 1003, C replaced by T.
Protein change: p.Arg335Cys; replaces arginine 335 with cysteine.
Molecular consequence: missense variant.
Genome position (GRCh38, 1-based): chr17:7,454,479, C>T. VCF-style: chr17-7454479-C-T. GRCh37 (hg19) VCF-style: chr17-7357798-C-T.
Other names: short protein forms R335C.
Identifiers: ClinVar variation 476148 (VCV000476148.6), dbSNP rs779467380, ClinGen allele CA8347932.